The following is an entry in ClinVar:

NM_001130438.3(SPTAN1):c.1697G>A (p.Arg566Gln)

Gene: SPTAN1 (spectrin alpha, non-erythrocytic 1; plus strand). Cytogenetic location: 9q34.11.
Variant type: single nucleotide variant.
Coding change: c.1697G>A on transcript NM_001130438.3 (MANE Select); coding-DNA position 1697, G replaced by A.
Protein change: p.Arg566Gln; replaces arginine 566 with glutamine.
Molecular consequence: missense variant.
Genome position (GRCh38, 1-based): chr9:128,582,740, G>A. VCF-style: chr9-128582740-G-A. GRCh37 (hg19) VCF-style: chr9-131345019-G-A.
Other names: c.1697G>A, p.Arg566Gln (NM_001195532.2, NM_001363759.2, NM_001363765.2 and 1 more transcripts); short protein forms R566Q.
Identifiers: ClinVar variation 159998 (VCV000159998.19), dbSNP rs370304886, ClinGen allele CA173544.
Genomic context (GRCh38, chr9:128,582,740, plus strand): 5'-TCCTTGTCTTTCAGCTGTTGAGCCGCCGCAATGCCCTTCACGAGAGAGCCATGCGTCGCC[G>A]GGCCCAGCTAGCCGATTCTTTCCATCTGCAGCAGTTTTTCCGTGATTCTGATGAGCTCAA-3'
Protein context (NP_001123910.1, residues 556-576): NALHERAMRR[Arg566Gln]AQLADSFHLQ

ClinVar aggregate classification (germline): Conflicting classifications of pathogenicity. Review status: criteria provided, conflicting classifications (1 of 4 stars). 5 submissions from 5 submitters: Uncertain significance (4); Likely benign (1). Last evaluated 2024-03-28.

Conditions:
Developmental and epileptic encephalopathy, 5 (DEE5). Identifiers: Orphanet 3451, MedGen C3150731, MONDO:0013277, OMIM 613477.
Early-infantile DEE. Also called: Ohtahara syndrome; Early infantile epileptic encephalopathy; Early infantile epileptic encephalopathy with suppression bursts. Identifiers: Orphanet 1934, MedGen C0393706, MONDO:0800491.

Allele frequency attached by ClinVar (database versions not stated): gnomAD exomes below 0.00001 and 0.00002; gnomAD 0.00001; TOPMed 0.00003; ESP Exome Variant Server 0.00008.
gnomAD v4.1: 25 of 1,613,892 alleles (0.0015%); highest among the groups gnomAD compares: East Asian, 0.0022%; no homozygotes.

Submissions (5):

Labcorp Genetics (formerly Invitae), Labcorp
Classification: Uncertain significance for Early-infantile DEE. Last evaluated: 2024-03-28. Review status: criteria provided, single submitter. Criteria: Invitae Variant Classification Sherloc (09022015). Collection method: clinical testing. Allele origin: germline.
Comment: This sequence change replaces arginine, which is basic and polar, with glutamine, which is neutral and polar, at codon 566 of the SPTAN1 protein (p.Arg566Gln). This variant is present in population databases (rs370304886, gnomAD 0.0009%). This variant has not been reported in the literature in individuals affected with SPTAN1-related conditions. ClinVar contains an entry for this variant (Variation ID: 159998). Advanced modeling of protein sequence and biophysical properties (such as structural, functional, and spatial information, amino acid conservation, physicochemical variation, residue mobility, and thermodynamic stability) has been performed at Invitae for this missense variant, however the output from this modeling did not meet the statistical confidence thresholds required to predict the impact of this variant on SPTAN1 protein function. In summary, the available evidence is currently insufficient to determine the role of this variant in disease. Therefore, it has been classified as a Variant of Uncertain Significance.

Genome-Nilou Lab
Classification: Uncertain significance for Developmental and epileptic encephalopathy, 5. Last evaluated: 2021-07-15. Review status: criteria provided, single submitter. Criteria: ACMG Guidelines, 2015. Collection method: clinical testing. Allele origin: germline. Affected: no.

GeneDx
Classification: Likely benign. Last evaluated: 2019-12-11. Review status: criteria provided, single submitter. Criteria: GeneDx Variant Classification Process June 2021. Collection method: clinical testing. Allele origin: germline. Affected: yes.
Comment: In silico analysis, which includes protein predictors and evolutionary conservation, supports a deleterious effect; Missense variant in a gene in which most reported pathogenic variants are truncating/loss-of-function; Has not been previously published as pathogenic or benign to our knowledge

Fulgent Genetics
Classification: Uncertain significance for Developmental and epileptic encephalopathy, 5. Last evaluated: 2018-10-31. Review status: criteria provided, single submitter. Criteria: ACMG Guidelines, 2015. Collection method: clinical testing. Allele origin: unknown.

Genetic Services Laboratory, University of Chicago
Classification: Uncertain significance for Epileptic encephalopathy, early infantile, 5. Last evaluated: 2014-06-13. Review status: criteria provided, single submitter. Criteria: ACMG Guidelines, 2015. Collection method: clinical testing. Allele origin: germline. Inheritance: Autosomal dominant inheritance.